The following is an entry in ClinVar:

NM_005670.4(EPM2A):c.818C>G (p.Ser273Cys)

Gene: EPM2A (EPM2A glucan phosphatase, laforin; minus strand). Cytogenetic location: 6q24.3.
Variant type: single nucleotide variant.
Coding change: c.818C>G on transcript NM_005670.4 (MANE Select); coding-DNA position 818, C replaced by G.
Protein change: p.Ser273Cys; replaces serine 273 with cysteine.
Molecular consequence: missense variant. On other transcripts: synonymous variant (1), non-coding transcript variant (1).
Genome position (GRCh38, 1-based): chr6:145,627,594, G>C on the plus strand (C>G on the coding strand, the complement: EPM2A is on the minus strand). VCF-style: chr6-145627594-G-C. GRCh37 (hg19) VCF-style: chr6-145948730-G-C.
Other names: p.S273C:TCC>TGC; c.818C>G, p.Ser273Cys (NM_001018041.2); c.576C>G, p.Leu192= (NM_001360057.2); c.404C>G, p.Ser135Cys (NM_001360064.2, NM_001360071.2, NM_001368131.1); c.356C>G, p.Ser119Cys (NM_001368129.2, NM_001368132.1); short protein forms S273C, S135C, S119C.
Identifiers: ClinVar variation 205447 (VCV000205447.2), dbSNP rs796052436, ClinGen allele CA314525.

ClinVar aggregate classification (germline): Uncertain significance (1 of 4 stars; one submission).

Submission:

GeneDx
Classification: Uncertain significance. Last evaluated: 2014-11-14. Review status: criteria provided, single submitter. Criteria: GeneDx Variant Classification (06012015). Collection method: clinical testing. Allele origin: germline. Affected: yes.
Comment: p.Ser273Cys (TCC>TGC): c.818 C>G in exon 4 of the EPM2A gene (NM_005670.3). The S273C variant has not been published as a mutation, nor has it been reported as a benign polymorphism to our knowledge. It was not observed in approximately 6,500 individuals of European and African American ancestry in the NHLBI Exome Sequencing Project, indicating it is not a common benign variant in these populations. The S273C variant is a non-conservative amino acid substitution, which is likely to impact secondary protein structure as these residues differ in polarity, charge, size and/or other properties. This substitution alters a highly conserved position in the dual-specificity phophatase domain (DSPD) of the EPM2A protein (Singh et al., 2009), and a missense mutation in nearby residue (G279S) has been reported in association with epilepsy. Additionally, in silico analysis predicts this variant is probably damaging to the protein structure/function. Based on the currently available information, it is unclear whether this variant is a pathogenic mutation or a rare benign variant. The variant is found in EPILEPSY panel(s).